The following is an entry in ClinVar:

ClinVar aggregate classification (germline): Benign. Review status: criteria provided, multiple submitters, no conflicts (2 of 4 stars). 3 submissions from 3 submitters: Benign (3). Last evaluated 2026-01-20.

Conditions:
Congenital isolated adrenocorticotropic hormone deficiency. Also called: ACTH DEFICIENCY, ISOLATED; ACTH deficiency; Adrenocorticotropic hormone deficiency. Identifiers: Orphanet 199296, MedGen C0342388, MONDO:0008720, OMIM 201400, HP:0011748.

Allele frequency attached by ClinVar (database versions not stated): gnomAD exomes 0.00046 and 0.00107; ExAC 0.00135; 1000 Genomes Project 0.00280; 1000 Genomes Project 30x 0.00375; ESP Exome Variant Server 0.00477; gnomAD 0.00489 and 0.00523; TOPMed 0.00544.
gnomAD v4.1: 1,466 of 1,614,042 alleles (0.091%); highest among the groups gnomAD compares: African/African-American, 1.6%; 14 homozygotes.

Submissions (3):

Labcorp Genetics (formerly Invitae), Labcorp
Classification: Benign. Last evaluated: 2026-01-20. Review status: criteria provided, single submitter. Criteria: Invitae Variant Classification Sherloc (09022015). Collection method: clinical testing. Allele origin: germline.

Illumina Laboratory Services, Illumina
Classification: Benign for Congenital isolated adrenocorticotropic hormone deficiency. Last evaluated: 2018-01-13. Review status: criteria provided, single submitter. Criteria: ICSL Variant Classification Criteria 13 December 2019. Collection method: clinical testing. Allele origin: germline.
Comment: This variant was observed in the ICSL laboratory as part of a predisposition screen in an ostensibly healthy population. It had not been previously curated by ICSL or reported in the Human Gene Mutation Database (HGMD: prior to June 1st, 2018), and was therefore a candidate for classification through an automated scoring system. Utilizing variant allele frequency, disease prevalence and penetrance estimates, and inheritance mode, an automated score was calculated to assess if this variant is too frequent to cause the disease. Based on the score and internal cut-off values, a variant classified as benign is not then subjected to further curation. The score for this variant resulted in a classification of benign for this disease.

Breakthrough Genomics
Classification: Benign. Review status: criteria provided, single submitter. Criteria: ACMG Guidelines, 2015. Collection method: not provided. Allele origin: germline. Inheritance: Autosomal recessive inheritance. Affected: yes.

NM_005149.3(TBX19):c.761T>C (p.Val254Ala)

Gene: TBX19 (T-box transcription factor 19; plus strand). Cytogenetic location: 1q24.2.
Variant type: single nucleotide variant.
Coding change: c.761T>C on transcript NM_005149.3 (MANE Select); coding-DNA position 761, T replaced by C.
Protein change: p.Val254Ala; replaces valine 254 with alanine.
Molecular consequence: missense variant.
Genome position (GRCh38, 1-based): chr1:168,305,041, T>C. VCF-style: chr1-168305041-T-C. GRCh37 (hg19) VCF-style: chr1-168274279-T-C.
Other names: short protein forms V254A.
Identifiers: ClinVar variation 293476 (VCV000293476.14), dbSNP rs77425733, ClinGen allele CA1230654.